The following is an entry in ClinVar:

NM_001098671.2(RASGRP2):c.489C>T (p.Thr163=)

Gene: RASGRP2 (RAS guanyl releasing protein 2; minus strand). Cytogenetic location: 11q13.1.
Variant type: single nucleotide variant.
Coding change: c.489C>T on transcript NM_001098671.2 (MANE Select); coding-DNA position 489, C replaced by T.
Protein change: p.Thr163=; no amino-acid change (threonine 163 retained).
Molecular consequence: synonymous variant.
Genome position (GRCh38, 1-based): chr11:64,740,046, G>A on the plus strand (C>T on the coding strand, the complement: RASGRP2 is on the minus strand). VCF-style: chr11-64740046-G-A. GRCh37 (hg19) VCF-style: chr11-64507518-G-A.
Other names: p.Thr163=; c.489C>T, p.Thr163= (NM_001098670.2, NM_153819.2); c.54C>T, p.Thr18= (NM_001318398.2).
Identifiers: ClinVar variation 2059211 (VCV002059211.6), dbSNP rs78804864, ClinGen allele CA6079218.

ClinVar aggregate classification (germline): Benign/Likely benign. Review status: criteria provided, multiple submitters, no conflicts (2 of 4 stars). 3 submissions from 3 submitters: Benign (1); Likely benign (2). Last evaluated 2026-01-02.

Conditions:
RASGRP2-related disorder. Also called: RASGRP2-related condition.

Allele frequency attached by ClinVar (database versions not stated): gnomAD 0.00146; TOPMed 0.00165; ESP Exome Variant Server 0.00192; 1000 Genomes Project 30x 0.00219; 1000 Genomes Project 0.00240; gnomAD exomes 0.00014; ExAC 0.00057.
gnomAD v4.1: 433 of 1,614,142 alleles (0.027%); highest among the groups gnomAD compares: African/African-American, 0.51%; 2 homozygotes.

Submissions (3):

PreventionGenetics, part of Exact Sciences
Classification: Likely benign for RASGRP2-related condition. Last evaluated: 2026-01-02. Review status: criteria provided, single submitter. Criteria: ACMG Guidelines, 2015. Collection method: clinical testing. Allele origin: germline.
Comment: This variant is classified as likely benign based on ACMG/AMP sequence variant interpretation guidelines (Richards et al. 2015 PMID: 25741868, with internal and published modifications).

Labcorp Genetics (formerly Invitae), Labcorp
Classification: Benign. Last evaluated: 2025-12-17. Review status: criteria provided, single submitter. Criteria: Invitae Variant Classification Sherloc (09022015). Collection method: clinical testing. Allele origin: germline.

Mayo Clinic Laboratories, Mayo Clinic
Classification: Likely benign. Last evaluated: 2025-08-06. Review status: criteria provided, single submitter. Criteria: ACMG Guidelines, 2015. Collection method: clinical testing. Allele origin: germline. Observed: 2 variant alleles.
Comment: BS1_supporting, BP4, BP7